The following is an entry in ClinVar:

NM_017654.4(SAMD9):c.3830T>C (p.Leu1277Pro)

Gene: SAMD9 (sterile alpha motif domain containing 9; minus strand). Cytogenetic location: 7q21.2.
Variant type: single nucleotide variant.
Coding change: c.3830T>C on transcript NM_017654.4 (MANE Select); coding-DNA position 3830, T replaced by C.
Protein change: p.Leu1277Pro; replaces leucine 1277 with proline.
Molecular consequence: missense variant.
Genome position (GRCh38, 1-based): chr7:93,102,268, A>G on the plus strand (T>C on the coding strand, the complement: SAMD9 is on the minus strand). VCF-style: chr7-93102268-A-G. GRCh37 (hg19) VCF-style: chr7-92731581-A-G.
Other names: c.3830T>C, p.Leu1277Pro (NM_001193307.2); short protein forms L1277P.
Identifiers: ClinVar variation 4629928 (VCV004629928.1).
Genomic context (GRCh38, chr7:93,102,268, plus strand): 5'-GCCACCTTTCTCCGAGTTTTGGCCTCTTCATTTTGCTTAATATTGTTCCTGGGTTTTAGC[A>G]GGACAAAGTATTCATCAAAAAAATCAAAGGACTTTTTCAAAGAAAATTTCAATTTAGTTA-3'
Protein context (NP_060124.2, residues 1267-1287): SFDFFDEYFV[Leu1277Pro]LKPRNNIKQN

ClinVar aggregate classification (germline): Uncertain significance (1 of 4 stars; one submission).

Conditions:
Inborn genetic diseases. Identifiers: MedGen C0950123, MeSH D030342.

Submission:

Ambry Genetics
Classification: Uncertain significance for Inborn genetic diseases. Last evaluated: 2025-11-05. Review status: criteria provided, single submitter. Criteria: Ambry Variant Classification Scheme 2023. Collection method: clinical testing. Allele origin: germline.
Comment: The p.L1277P variant (also known as c.3830T>C), located in coding exon 1 of the SAMD9 gene, results from a T to C substitution at nucleotide position 3830. The leucine at codon 1277 is replaced by proline, an amino acid with similar properties. This amino acid position is conserved. In addition, the in silico prediction for this alteration is inconclusive. Based on the available evidence, the clinical significance of this variant remains unclear.